The following is an entry in ClinVar:

ClinVar aggregate classification (germline): Pathogenic (1 of 4 stars; one submission).

Conditions:
Catecholaminergic polymorphic ventricular tachycardia 1. Also called: VENTRICULAR TACHYCARDIA, CATECHOLAMINERGIC POLYMORPHIC, 1, WITH OR WITHOUT ATRIAL DYSFUNCTION AND/OR DILATED CARDIOMYOPATHY; RYR2-Related Catecholaminergic Polymorphic Ventricular Tachycardia; VENTRICULAR TACHYCARDIA, STRESS-INDUCED POLYMORPHIC 1. Identifiers: Orphanet 3286, MedGen C1631597, MONDO:0011484, OMIM 604772.

Submission:

Labcorp Genetics (formerly Invitae), Labcorp
Classification: Pathogenic for Catecholaminergic polymorphic ventricular tachycardia 1. Last evaluated: 2017-08-17. Review status: criteria provided, single submitter. Criteria: Invitae Variant Classification Sherloc (09022015). Collection method: clinical testing. Allele origin: germline.
Comment: For these reasons, this variant has been classified as Pathogenic. Loss-of-function variants in TRDN are known to be pathogenic (PMID: 25922419). This variant has not been reported in the literature in individuals with TRDN-related disease. This variant is not present in population databases (ExAC no frequency). This sequence change creates a premature translational stop signal (p.Lys192Glufs*18) in the TRDN gene. It is expected to result in an absent or disrupted protein product.

Literature cited by the submitters: PubMed 25922419.

NM_006073.4(TRDN):c.573dup (p.Lys192fs)

Gene: TRDN (triadin; minus strand). Cytogenetic location: 6q22.31.
Variant type: Duplication.
Coding change: c.573dup on transcript NM_006073.4 (MANE Select); coding-DNA position 573, one base duplicated (G; older notation c.573dupG).
Protein change: p.Lys192fs; shifts the reading frame from lysine 192.
Molecular consequence: frameshift variant.
Genome position (GRCh38, 1-based): chr6:123,512,340, C duplicated on the plus strand (G on the coding strand, the reverse complement: TRDN is on the minus strand). VCF-style (leftmost placement, unchanged base first): chr6-123512339-T-TC. GRCh37 (hg19) VCF-style: chr6-123833484-T-TC.
Other names: c.573dup, p.Lys192fs (NM_001251987.2, NM_001256020.2, NM_001256021.2); c.573dupG (NM_006073.3); short protein forms K192fs.
Identifiers: ClinVar variation 532312 (VCV000532312.8), dbSNP rs1554251609, ClinGen allele CA658796816.